The following is an entry in ClinVar:

NM_006306.4(SMC1A):c.2514G>A (p.Trp838Ter)

Gene: SMC1A (structural maintenance of chromosomes 1A; minus strand). Cytogenetic location: Xp11.22.
Variant type: single nucleotide variant.
Coding change: c.2514G>A on transcript NM_006306.4 (MANE Select); coding-DNA position 2514, G replaced by A.
Protein change: p.Trp838Ter; replaces tryptophan 838 with a stop codon.
Molecular consequence: nonsense.
Genome position (GRCh38, 1-based): chrX:53,399,637, C>T on the plus strand (G>A on the coding strand, the complement: SMC1A is on the minus strand). VCF-style: chrX-53399637-C-T. GRCh37 (hg19) VCF-style: chrX-53426559-C-T.
Other names: c.2448G>A, p.Trp816Ter (NM_001281463.1); short protein forms W816*, W838*.
Identifiers: ClinVar variation 2866123 (VCV002866123.3), dbSNP rs2520904563, ClinGen allele CA413250337.
Genomic context (GRCh38, chrX:53,399,637, plus strand): 5'-TTCCTTCCTTACCTTTTTGAGCTTTTCTATCTCATTTTCATCTTTTTTCACTGTCTGCTC[C>T]CACATGTGTACTTTATCTTGGTCCTCCTTCAGTTGGTTCTTTTCAAAATCCAACTGAATG-3'

ClinVar aggregate classification (germline): Pathogenic (1 of 4 stars; one submission).

Conditions:
Congenital muscular hypertrophy-cerebral syndrome (CDLS2). Also called: SMC1A-Related Cornelia de Lange Syndrome; Cornelia de Lange syndrome 2. Identifiers: Orphanet 199, MedGen C1802395, MONDO:0010370, OMIM 300590.

Submission:

Labcorp Genetics (formerly Invitae), Labcorp
Classification: Pathogenic for Congenital muscular hypertrophy-cerebral syndrome. Last evaluated: 2023-05-30. Review status: criteria provided, single submitter. Criteria: Invitae Variant Classification Sherloc (09022015). Collection method: clinical testing. Allele origin: germline.
Comment: For these reasons, this variant has been classified as Pathogenic. This variant has not been reported in the literature in individuals affected with SMC1A-related conditions. This variant is not present in population databases (gnomAD no frequency). This sequence change creates a premature translational stop signal (p.Trp838*) in the SMC1A gene. It is expected to result in an absent or disrupted protein product. Loss-of-function variants in SMC1A are known to be pathogenic (PMID: 26386245, 27334371, 28166369, 28548707, 31334757).

Literature cited by the submitters: PubMed 26386245; PubMed 27334371; PubMed 28166369; PubMed 28548707; PubMed 31334757.